The following is an entry in ClinVar:

NM_001267550.2(TTN):c.45940A>T (p.Met15314Leu)

Gene: TTN (titin; minus strand). Cytogenetic location: 2q31.2.
Variant type: single nucleotide variant.
Coding change: c.45940A>T on transcript NM_001267550.2 (MANE Select); coding-DNA position 45940, A replaced by T.
Protein change: p.Met15314Leu; replaces methionine 15314 with leucine.
Molecular consequence: missense variant.
Genome position (GRCh38, 1-based): chr2:178,620,581, T>A on the plus strand (A>T on the coding strand, the complement: TTN is on the minus strand). VCF-style: chr2-178620581-T-A. GRCh37 (hg19) VCF-style: chr2-179485308-T-A.
Other names: c.41017A>T, p.Met13673Leu (NM_001256850.1); c.18745A>T, p.Met6249Leu (NM_003319.4); c.38236A>T, p.Met12746Leu (NM_133378.4); c.19120A>T, p.Met6374Leu (NM_133432.3); c.19321A>T, p.Met6441Leu (NM_133437.4); c.45940A>T (NM_001267550.1); short protein forms M15314L, M12746L, M6374L, M13673L, M6441L, M6249L.
Identifiers: ClinVar variation 467170 (VCV000467170.4), dbSNP rs1391292606, ClinGen allele CA349630453.

ClinVar aggregate classification (germline): Uncertain significance. Review status: criteria provided, multiple submitters, no conflicts (2 of 4 stars). 2 submissions from 2 submitters: Uncertain significance (2). Last evaluated 2025-02-19.

Conditions:
Autosomal recessive limb-girdle muscular dystrophy type 2J (LGMDR10). Also called: Limb-girdle muscular dystrophy, type 2J; MUSCULAR DYSTROPHY, LIMB-GIRDLE, AUTOSOMAL RECESSIVE 10. Identifiers: Orphanet 140922, MedGen C1837342, MONDO:0012127, OMIM 608807.
Dilated cardiomyopathy 1G (CMD1G). Identifiers: Orphanet 154, MedGen C1858763, MONDO:0011400, OMIM 604145.

Submissions (2):

GeneDx
Classification: Uncertain significance. Last evaluated: 2025-02-19. Review status: criteria provided, single submitter. Criteria: GeneDx Variant Classification Process June 2021. Collection method: clinical testing. Allele origin: germline. Affected: yes.
Comment: Not observed at significant frequency in large population cohorts (gnomAD); Missense variant in a gene in which most reported pathogenic variants are truncating/loss of function; Has not been previously published as pathogenic or benign to our knowledge

Labcorp Genetics (formerly Invitae), Labcorp
Classification: Uncertain significance for Dilated cardiomyopathy 1G; Autosomal recessive limb-girdle muscular dystrophy type 2J. Last evaluated: 2017-08-07. Review status: criteria provided, single submitter. Criteria: Invitae Variant Classification Sherloc (09022015). Collection method: clinical testing. Allele origin: germline.